The following is an entry in ClinVar:

NM_005154.5(USP8):c.1873G>A (p.Asp625Asn)

Gene: USP8 (ubiquitin specific peptidase 8; plus strand). Cytogenetic location: 15q21.2.
Variant type: single nucleotide variant.
Coding change: c.1873G>A on transcript NM_005154.5 (MANE Select); coding-DNA position 1873, G replaced by A.
Protein change: p.Asp625Asn; replaces aspartic acid 625 with asparagine.
Molecular consequence: missense variant. On other transcripts: intron variant (1).
Genome position (GRCh38, 1-based): chr15:50,484,344, G>A. VCF-style: chr15-50484344-G-A. GRCh37 (hg19) VCF-style: chr15-50776541-G-A.
Other names: c.1873G>A, p.Asp625Asn (NM_001128610.3); c.1572+2279G>A (NM_001283049.2); short protein forms D625N.
Identifiers: ClinVar variation 2070545 (VCV002070545.4), dbSNP rs768514589, ClinGen allele CA7555805.

ClinVar aggregate classification (germline): Uncertain significance (1 of 4 stars; one submission).

Conditions:
Hereditary spastic paraplegia. Also called: Familial spastic paraparesis. Identifiers: Orphanet 685, MedGen C0037773, MONDO:0019064. Disease mechanism: loss of function.

Allele frequency attached by ClinVar (database versions not stated): gnomAD 0.00001; TOPMed 0.00001; gnomAD exomes 0.00002; ExAC 0.00004.
gnomAD v4.1: 29 of 1,610,838 alleles (0.0018%); highest among the groups gnomAD compares: South Asian, 0.019%; no homozygotes.

Submission:

Labcorp Genetics (formerly Invitae), Labcorp
Classification: Uncertain significance for Hereditary spastic paraplegia. Last evaluated: 2024-10-29. Review status: criteria provided, single submitter. Criteria: Invitae Variant Classification Sherloc (09022015). Collection method: clinical testing. Allele origin: germline.
Comment: This sequence change replaces aspartic acid, which is acidic and polar, with asparagine, which is neutral and polar, at codon 625 of the USP8 protein (p.Asp625Asn). This variant is present in population databases (rs768514589, gnomAD 0.01%). This variant has not been reported in the literature in individuals affected with USP8-related conditions. ClinVar contains an entry for this variant (Variation ID: 2070545). An algorithm developed to predict the effect of missense changes on protein structure and function (PolyPhen-2) suggests that this variant is likely to be tolerated. In summary, the available evidence is currently insufficient to determine the role of this variant in disease. Therefore, it has been classified as a Variant of Uncertain Significance.